The following is an entry in ClinVar:

ClinVar aggregate classification (germline): Likely benign (1 of 4 stars; one submission).

gnomAD v4.1: 3 of 1,614,076 alleles (0.00019%); highest among the groups gnomAD compares: African/African-American, 0.0027%; no homozygotes.

Submission:

CeGaT Center for Human Genetics Tuebingen
Classification: Likely benign. Last evaluated: 2025-10-01. Review status: criteria provided, single submitter. Criteria: CeGaT Center For Human Genetics Tuebingen Variant Classification Criteria Version 2. Collection method: clinical testing. Allele origin: germline. Affected: yes. Observed: 1 variant allele.
Comment: YEATS2: BP4, BP7

NM_018023.5(YEATS2):c.2799A>G (p.Pro933=)

Gene: YEATS2 (YEATS domain containing 2; plus strand). Cytogenetic location: 3q27.1.
Variant type: single nucleotide variant.
Coding change: c.2799A>G on transcript NM_018023.5 (MANE Select); coding-DNA position 2799, A replaced by G.
Protein change: p.Pro933=; no amino-acid change (proline 933 retained).
Molecular consequence: synonymous variant.
Genome position (GRCh38, 1-based): chr3:183,786,187, A>G. VCF-style: chr3-183786187-A-G. GRCh37 (hg19) VCF-style: chr3-183503975-A-G.
Other names: c.2799A>G, p.Pro933= (NM_001351369.2, NM_001351371.2); c.2802A>G, p.Pro934= (NM_001351370.2).
Identifiers: ClinVar variation 4534681 (VCV004534681.6).